The following is an entry in ClinVar:

NM_005188.4(CBL):c.1768T>G (p.Trp590Gly)

Gene: CBL (Cbl proto-oncogene; plus strand). Cytogenetic location: 11q23.3.
Variant type: single nucleotide variant.
Coding change: c.1768T>G on transcript NM_005188.4 (MANE Select); coding-DNA position 1768, T replaced by G.
Protein change: p.Trp590Gly; replaces tryptophan 590 with glycine.
Molecular consequence: missense variant.
Genome position (GRCh38, 1-based): chr11:119,285,393, T>G. VCF-style: chr11-119285393-T-G. GRCh37 (hg19) VCF-style: chr11-119156103-T-G.
Other names: c.1768T>G (NM_005188.2); short protein forms W590G.
Identifiers: ClinVar variation 2957076 (VCV002957076.5), dbSNP rs1949975722, ClinGen allele CA382920168.

ClinVar aggregate classification (germline): Uncertain significance. Review status: criteria provided, multiple submitters, no conflicts (2 of 4 stars). 3 submissions from 3 submitters: Uncertain significance (3). Last evaluated 2025-06-08.

Conditions:
Cardiovascular phenotype. Identifiers: MedGen CN230736.
RASopathy. Also called: rasopathies; Noonan spectrum disorder. Identifiers: Orphanet 536391, MedGen C5555857, MONDO:0021060.

Submissions (3):

Labcorp Genetics (formerly Invitae), Labcorp
Classification: Uncertain significance for RASopathy. Last evaluated: 2025-06-08. Review status: criteria provided, single submitter. Criteria: Invitae Variant Classification Sherloc (09022015). Collection method: clinical testing. Allele origin: germline.
Comment: This sequence change replaces tryptophan, which is neutral and slightly polar, with glycine, which is neutral and non-polar, at codon 590 of the CBL protein (p.Trp590Gly). This variant is not present in population databases (gnomAD no frequency). This variant has not been reported in the literature in individuals affected with CBL-related conditions. ClinVar contains an entry for this variant (Variation ID: 2957076). Invitae Evidence Modeling of protein sequence and biophysical properties (such as structural, functional, and spatial information, amino acid conservation, physicochemical variation, residue mobility, and thermodynamic stability) indicates that this missense variant is not expected to disrupt CBL protein function with a negative predictive value of 95%. In summary, the available evidence is currently insufficient to determine the role of this variant in disease. Therefore, it has been classified as a Variant of Uncertain Significance.

GeneDx
Classification: Uncertain significance. Last evaluated: 2025-04-03. Review status: criteria provided, single submitter. Criteria: GeneDx Variant Classification Process June 2021. Collection method: clinical testing. Allele origin: germline. Affected: yes.
Comment: Not observed at significant frequency in large population cohorts (gnomAD); In silico analysis indicates that this missense variant does not alter protein structure/function; Has not been previously published as pathogenic or benign to our knowledge; This variant is associated with the following publications: (PMID: 20619386)

Ambry Genetics
Classification: Uncertain significance for Cardiovascular phenotype. Last evaluated: 2025-03-10. Review status: criteria provided, single submitter. Criteria: Ambry Variant Classification Scheme 2023. Collection method: clinical testing. Allele origin: germline.
Comment: The p.W590G variant (also known as c.1768T>G), located in coding exon 11 of the CBL gene, results from a T to G substitution at nucleotide position 1768. The tryptophan at codon 590 is replaced by glycine, an amino acid with highly dissimilar properties. This amino acid position is conserved. In addition, this alteration is predicted to be deleterious by in silico analysis. Based on the available evidence, the clinical significance of this variant remains unclear.